The following is an entry in ClinVar:

ClinVar aggregate classification (germline): Uncertain significance (1 of 4 stars; one submission).

Conditions:
Autosomal dominant Parkinson disease 8. Also called: LRRK2-Related Parkinson Disease; Parkinson disease 8; Parkinson disease 8, susceptibility to. Identifiers: Orphanet 411602, MedGen C1846862, MONDO:0011764, OMIM 607060.

Submission:

Labcorp Genetics (formerly Invitae), Labcorp
Classification: Uncertain significance for Autosomal dominant Parkinson disease 8. Last evaluated: 2025-04-11. Review status: criteria provided, single submitter. Criteria: Invitae Variant Classification Sherloc (09022015). Collection method: clinical testing. Allele origin: germline.
Comment: This sequence change creates a premature translational stop signal (p.Gly2266Glufs*7) in the LRRK2 gene. It is expected to result in an absent or disrupted protein product. However, the current clinical and genetic evidence is not sufficient to establish whether loss-of-function variants in LRRK2 cause disease. This variant is not present in population databases (gnomAD no frequency). This variant has not been reported in the literature in individuals affected with LRRK2-related conditions. In summary, the available evidence is currently insufficient to determine the role of this variant in disease. Therefore, it has been classified as a Variant of Uncertain Significance.

NM_198578.4(LRRK2):c.6795del (p.Gly2266fs)

Gene: LRRK2 (leucine rich repeat kinase 2; plus strand). Cytogenetic location: 12q12.
Variant type: Deletion.
Coding change: c.6795del on transcript NM_198578.4 (MANE Select); coding-DNA position 6795, one base deleted (T; older notation c.6795delT).
Protein change: p.Gly2266fs; shifts the reading frame from glycine 2266.
Molecular consequence: frameshift variant.
Genome position (GRCh38, 1-based): chr12:40,356,139, T deleted; the last of 2 consecutive T bases (chr12:40,356,138-40,356,139); deleting either gives the same sequence. VCF-style (leftmost placement, unchanged base first): chr12-40356137-GT-G. GRCh37 (hg19) VCF-style: chr12-40749939-GT-G.
Other names: short protein forms G2266fs.
Identifiers: ClinVar variation 4696578 (VCV004696578.1).
Genomic context (GRCh38, chr12:40,356,137, plus strand): 5'-TGTTCTTTTTGTAACAATTTCAACATTTTTCCTTTTAGCAAACAAAAAAATTTTCTTTTG[GT>G]TGGAACCGCTGATGGCAAGTTAGCAATTTTTGAAGATAAGACTGTTAAGGTAAATGTTGA-3'